The following is an entry in ClinVar:

ClinVar aggregate classification (germline): Uncertain significance (1 of 4 stars; one submission).

Submission:

Ambry Genetics
Classification: Uncertain significance. Last evaluated: 2025-02-07. Review status: criteria provided, single submitter. Criteria: Ambry Variant Classification Scheme 2023. Collection method: clinical testing. Allele origin: germline.
Comment: The p.M419I variant (also known as c.1257G>A), located in coding exon 12 of the KIF1B gene, results from a G to A substitution at nucleotide position 1257. The methionine at codon 419 is replaced by isoleucine, an amino acid with highly similar properties. This amino acid position is conserved. In addition, the in silico prediction for this alteration is inconclusive. The evidence for this gene-disease relationship is limited; therefore, the clinical significance of this alteration is unclear.

NM_001365951.3(KIF1B):c.1395G>A (p.Met465Ile)

Gene: KIF1B (kinesin family member 1B; plus strand). Cytogenetic location: 1p36.22.
Variant type: single nucleotide variant.
Coding change: c.1395G>A on transcript NM_001365951.3 (MANE Select); coding-DNA position 1395, G replaced by A.
Protein change: p.Met465Ile; replaces methionine 465 with isoleucine.
Molecular consequence: missense variant.
Genome position (GRCh38, 1-based): chr1:10,282,494, G>A. VCF-style: chr1-10282494-G-A. GRCh37 (hg19) VCF-style: chr1-10342552-G-A.
Other names: c.1395G>A, p.Met465Ile (NM_001365952.1); c.1257G>A, p.Met419Ile (NM_001365953.1, NM_015074.3, NM_183416.4); short protein forms M419I, M465I.
Identifiers: ClinVar variation 1762117 (VCV001762117.3), dbSNP rs2521257469, ClinGen allele CA338336577.